The following is an entry in ClinVar:

NM_004329.3(BMPR1A):c.681G>A (p.Gln227=)

Gene: BMPR1A (bone morphogenetic protein receptor type 1A; plus strand). Cytogenetic location: 10q23.2.
Variant type: single nucleotide variant.
Coding change: c.681G>A on transcript NM_004329.3 (MANE Select); coding-DNA position 681, G replaced by A.
Protein change: p.Gln227=; no amino-acid change (glutamine 227 retained).
Molecular consequence: synonymous variant. On other transcripts: non-coding transcript variant (3), splice acceptor variant (1).
Genome position (GRCh38, 1-based): chr10:86,917,139, G>A. VCF-style: chr10-86917139-G-A. GRCh37 (hg19) VCF-style: chr10-88676896-G-A.
Other names: c.756G>A, p.Gln252= (NM_001406559.1); c.729G>A, p.Gln243= (NM_001406560.1); c.681G>A, p.Gln227= (NM_001406561.1, NM_001406562.1, NM_001406563.1 and 19 more transcripts); c.597G>A, p.Gln199= (NM_001406584.1, NM_001406585.1, NM_001406586.1 and 2 more transcripts); c.339G>A, p.Gln113= (NM_001406589.1); c.676-1G>A (NM_001406583.1).
Identifiers: ClinVar variation 3379168 (VCV003379168.1).

ClinVar aggregate classification (germline): Benign (1 of 4 stars; one submission).

Conditions:
Juvenile polyposis syndrome (JPS). Identifiers: Orphanet 2929, MedGen C0345893, MONDO:0017380, OMIM 174900.

Submission:

Myriad Genetics, Inc.
Classification: Benign for Juvenile polyposis syndrome. Last evaluated: 2024-08-02. Review status: criteria provided, single submitter. Criteria: Myriad Autosomal Dominant, Autosomal Recessive and X-Linked Classification Criteria (2023). Collection method: clinical testing. Allele origin: unknown.
Comment: This variant is considered benign. This variant is a silent/synonymous amino acid change and it is not expected to impact splicing.